The following is an entry in ClinVar:

NM_018192.4(P3H2):c.115G>A (p.Gly39Arg)

Gene: P3H2 (prolyl 3-hydroxylase 2; minus strand). Cytogenetic location: 3q28.
Variant type: single nucleotide variant.
Coding change: c.115G>A on transcript NM_018192.4 (MANE Select); coding-DNA position 115, G replaced by A.
Protein change: p.Gly39Arg; replaces glycine 39 with arginine.
Molecular consequence: missense variant. On other transcripts: intron variant (1).
Genome position (GRCh38, 1-based): chr3:190,120,617, C>T on the plus strand (G>A on the coding strand, the complement: P3H2 is on the minus strand). VCF-style: chr3-190120617-C-T. GRCh37 (hg19) VCF-style: chr3-189838406-C-T.
Other names: c.-64+1586G>A (NM_001134418.2); short protein forms G39R.
Identifiers: ClinVar variation 1479150 (VCV001479150.6), dbSNP rs1263333334, ClinGen allele CA355860140.

ClinVar aggregate classification (germline): Uncertain significance. Review status: criteria provided, multiple submitters, no conflicts (2 of 4 stars). 2 submissions from 2 submitters: Uncertain significance (2). Last evaluated 2023-10-24.

Allele frequency attached by ClinVar (database versions not stated): gnomAD 0.00001; TOPMed 0.00001.
gnomAD v4.1: 60 of 1,538,166 alleles (0.0039%); highest among the groups gnomAD compares: Non-Finnish European, 0.005%; no homozygotes.

Submissions (2):

Blueprint Genetics
Classification: Uncertain significance. Last evaluated: 2023-10-24. Review status: criteria provided, single submitter. Criteria: ACMG Guidelines, 2015. Collection method: clinical testing. Allele origin: germline.

Labcorp Genetics (formerly Invitae), Labcorp
Classification: Uncertain significance. Last evaluated: 2021-08-31. Review status: criteria provided, single submitter. Criteria: Invitae Variant Classification Sherloc (09022015). Collection method: clinical testing. Allele origin: germline.
Comment: This sequence change replaces glycine with arginine at codon 39 of the P3H2 protein (p.Gly39Arg). The glycine residue is weakly conserved and there is a moderate physicochemical difference between glycine and arginine. The frequency data for this variant in the population databases is considered unreliable, as metrics indicate insufficient coverage at this position in the ExAC database. This variant has not been reported in the literature in individuals affected with P3H2-related conditions. Algorithms developed to predict the effect of missense changes on protein structure and function are either unavailable or do not agree on the potential impact of this missense change (SIFT: "Deleterious"; PolyPhen-2: "Probably Damaging"; Align-GVGD: "Class C0"). In summary, the available evidence is currently insufficient to determine the role of this variant in disease. Therefore, it has been classified as a Variant of Uncertain Significance.